The following is an entry in ClinVar:

ClinVar aggregate classification (germline): Pathogenic (1 of 4 stars; one submission).

Allele frequency attached by ClinVar (database versions not stated): TOPMed 0.00001; gnomAD exomes below 0.00001.

Submission:

Labcorp Genetics (formerly Invitae), Labcorp
Classification: Pathogenic. Last evaluated: 2025-03-13. Review status: criteria provided, single submitter. Criteria: Invitae Variant Classification Sherloc (09022015). Collection method: clinical testing. Allele origin: germline.
Comment: This sequence change creates a premature translational stop signal (p.Ile370Thrfs*120) in the FLNB gene. It is expected to result in an absent or disrupted protein product. Loss-of-function variants in FLNB are known to be pathogenic (PMID: 14991055). This variant is present in population databases (no rsID available, gnomAD 0.01%). This variant has not been reported in the literature in individuals affected with FLNB-related conditions. ClinVar contains an entry for this variant (Variation ID: 1370778). For these reasons, this variant has been classified as Pathogenic.

Literature cited by the submitters: PubMed 14991055.

NM_001457.4(FLNB):c.1109del (p.Ile370fs)

Gene: FLNB (filamin B; plus strand). Cytogenetic location: 3p14.3.
Variant type: Deletion.
Coding change: c.1109del on transcript NM_001457.4 (MANE Select); coding-DNA position 1109, one base deleted (T; older notation c.1109delT).
Protein change: p.Ile370fs; shifts the reading frame from isoleucine 370.
Molecular consequence: frameshift variant.
Genome position (GRCh38, 1-based): chr3:58,097,939, T deleted. VCF-style (leftmost placement, unchanged base first): chr3-58097938-AT-A. GRCh37 (hg19) VCF-style: chr3-58083665-AT-A.
Other names: c.1109del, p.Ile370fs (NM_001164317.2, NM_001164318.2, NM_001164319.2); short protein forms I370fs.
Identifiers: ClinVar variation 1370778 (VCV001370778.6), dbSNP rs1352510294, ClinGen allele CA543532104.